The following is an entry in ClinVar:

NM_001323289.2(CDKL5):c.2074G>A (p.Asp692Asn)

Gene: CDKL5 (cyclin dependent kinase like 5; plus strand). Cytogenetic location: Xp22.13.
Variant type: single nucleotide variant.
Coding change: c.2074G>A on transcript NM_001323289.2 (MANE Select); coding-DNA position 2074, G replaced by A.
Protein change: p.Asp692Asn; replaces aspartic acid 692 with asparagine.
Molecular consequence: missense variant.
Genome position (GRCh38, 1-based): chrX:18,609,492, G>A. VCF-style: chrX-18609492-G-A. GRCh37 (hg19) VCF-style: chrX-18627612-G-A.
Other names: c.2074G>A, p.Asp692Asn (NM_001037343.2, NM_003159.3); short protein forms D692N.
Identifiers: ClinVar variation 1355138 (VCV001355138.8), dbSNP rs2147164679, ClinGen allele CA412366341.
Genomic context (GRCh38, chrX:18,609,492, plus strand): 5'-GCTTAACTTTTATAAATTTCTTTCCTGCCTCAGGGTGGAGTGTATCATGACCCACACTCT[G>A]ATGATGGCACAGCCCCCAAAGAAAATAGACACCTATACAATGATCCTGTGCCAAGGAGAG-3'
Protein context (NP_001310218.1, residues 682-702): EGGVYHDPHS[Asp692Asn]DGTAPKENRH

ClinVar aggregate classification (germline): Uncertain significance (1 of 4 stars; one submission).

Conditions:
Angelman syndrome-like. Identifiers: MedGen CN128785.
Developmental and epileptic encephalopathy, 2 (DEE2). Also called: INFANTILE SPASM SYNDROME, X-LINKED 2; CDKL5 deficiency disorder. Identifiers: Orphanet 1934, Orphanet 3451, Orphanet 505652, MedGen C4750718, MONDO:0010396, OMIM 300672.

Submission:

Labcorp Genetics (formerly Invitae), Labcorp
Classification: Uncertain significance for Developmental and epileptic encephalopathy, 2; Angelman syndrome-like. Last evaluated: 2022-09-19. Review status: criteria provided, single submitter. Criteria: Invitae Variant Classification Sherloc (09022015). Collection method: clinical testing. Allele origin: germline.
Comment: This sequence change replaces aspartic acid, which is acidic and polar, with asparagine, which is neutral and polar, at codon 692 of the CDKL5 protein (p.Asp692Asn). This variant is not present in population databases (gnomAD no frequency). In summary, the available evidence is currently insufficient to determine the role of this variant in disease. Therefore, it has been classified as a Variant of Uncertain Significance. Advanced modeling of protein sequence and biophysical properties (such as structural, functional, and spatial information, amino acid conservation, physicochemical variation, residue mobility, and thermodynamic stability) performed at Invitae indicates that this missense variant is not expected to disrupt CDKL5 protein function. ClinVar contains an entry for this variant (Variation ID: 1355138). This variant has not been reported in the literature in individuals affected with CDKL5-related conditions.